The following is an entry in ClinVar:

NM_001005361.3(DNM2):c.127G>C (p.Gly43Arg)

Genes: DNM2 (dynamin 2; plus strand), LOC130063529 (ATAC-STARR-seq lymphoblastoid silent region 10090; plus strand). Cytogenetic location: 19p13.2.
Variant type: single nucleotide variant.
Coding change: c.127G>C on transcript NM_001005361.3 (MANE Select); coding-DNA position 127, G replaced by C.
Protein change: p.Gly43Arg; replaces glycine 43 with arginine.
Molecular consequence: missense variant.
Genome position (GRCh38, 1-based): chr19:10,718,369, G>C. VCF-style: chr19-10718369-G-C. GRCh37 (hg19) VCF-style: chr19-10829045-G-C.
Other names: c.127G>C, p.Gly43Arg (NM_001005360.3, NM_001005362.3, NM_001190716.2 and 1 more transcripts); short protein forms G43R.
Identifiers: ClinVar variation 3372033 (VCV003372033.1).
Genomic context (GRCh38, chr19:10,718,369, plus strand): 5'-ATCGGCCAGAGCTGCCACCTGGACCTGCCGCAGATCGCTGTAGTGGGCGGCCAGAGCGCC[G>C]GCAAGAGCTCGGTGCTGGAGAACTTCGTGGGCCGGTGAGCGGGCGCGGCAGGGATCGCGG-3'
Protein context (NP_001005361.1, residues 33-53): QIAVVGGQSA[Gly43Arg]KSSVLENFVG

ClinVar aggregate classification (germline): Uncertain significance (1 of 4 stars; one submission).

Submission:

GeneDx
Classification: Uncertain significance. Last evaluated: 2024-04-12. Review status: criteria provided, single submitter. Criteria: GeneDx Variant Classification Process June 2021. Collection method: clinical testing. Allele origin: germline. Affected: yes.
Comment: Not observed at significant frequency in large population cohorts (gnomAD); Missense variants in this gene are a common cause of disease and they are underrepresented in the general population; In silico analysis supports that this missense variant has a deleterious effect on protein structure/function; Has not been previously published as pathogenic or benign to our knowledge; This variant is associated with the following publications: (PMID: 16227997)